The following is an entry in ClinVar:

ClinVar aggregate classification (germline): Uncertain significance (1 of 4 stars; one submission).

Submission:

GeneDx
Classification: Uncertain significance. Last evaluated: 2026-02-28. Review status: criteria provided, single submitter. Criteria: GeneDx Variant Classification Process June 2021. Collection method: clinical testing. Allele origin: germline.
Comment: Not observed at significant frequency in large population cohorts (gnomAD); In-frame duplication of 1 amino acid(s) in a non-repeat region; Has not been previously published as pathogenic or benign to our knowledge

NM_004984.4(KIF5A):c.24_26dup (p.Ser9_Ile10insSer)

Gene: KIF5A (kinesin family member 5A; plus strand). Cytogenetic location: 12q13.3.
Variant type: Duplication.
Coding change: c.24_26dup on transcript NM_004984.4 (MANE Select); coding-DNA positions 24 to 26, 3 bases duplicated (TAG; older notation c.24_26dupTAG).
Protein change: p.Ser9_Ile10insSer.
Molecular consequence: inframe insertion.
Genome position (GRCh38, 1-based): chr12:57,550,295-57,550,297, TAG duplicated; duplicating any 3 consecutive bases within chr12:57,550,294-57,550,297 gives the same sequence; the c. name uses the placement nearest the transcript's 3' end. VCF-style (leftmost placement, unchanged base first): chr12-57550293-T-TGTA. GRCh37 (hg19) VCF-style: chr12-57944076-T-TGTA.
Other names: c.24_26dup, p.Ser9_Ile10insSer (NM_001354705.2).
Identifiers: ClinVar variation 5008041 (VCV005008041.1).